The following is an entry in ClinVar:

NM_000169.3(GLA):c.427G>A (p.Ala143Thr)

Genes: GLA (galactosidase alpha; minus strand), RPL36A-HNRNPH2 (RPL36A-HNRNPH2 readthrough; plus strand). Cytogenetic location: Xq22.1.
Variant type: single nucleotide variant.
Coding change: c.427G>A on transcript NM_000169.3 (MANE Select); coding-DNA position 427, G replaced by A.
Protein change: p.Ala143Thr; replaces alanine 143 with threonine.
Molecular consequence: missense variant. On other transcripts: non-coding transcript variant (3), intron variant (2).
Genome position (GRCh38, 1-based): chrX:101,401,752, C>T on the plus strand (G>A on the coding strand, the complement: GLA is on the minus strand). VCF-style: chrX-101401752-C-T. GRCh37 (hg19) VCF-style: chrX-100656740-C-T.
Other names: c.550G>A, p.Ala184Thr (NM_001406747.1, NM_001406749.1); c.427G>A, p.Ala143Thr (NM_001406748.1); c.300+6295C>T (NM_001199973.2); c.177+9930C>T (NM_001199974.2); c.427G>A (NM_000169.2); short protein forms A143T, A184T.
Identifiers: ClinVar variation 10748 (VCV000010748.102), dbSNP rs104894845, ClinGen allele CA021715.
Genomic context (GRCh38, chrX:101,401,752, plus strand): 5'-CCCAGTCAGCAAAGGTCTGGGCATCAATGTCGTAGTATCCAAAACTCCCAGGGAAGCCTG[C>T]GCAGGTTTTATTTCCAACATCTGCATAAATCCCTAGCTTCAGTCCTTTGCTGTGAACCTG-3'
Protein context (NP_000160.1, residues 133-153): IYADVGNKTC[Ala143Thr]GFPGSFGYYD

ClinVar aggregate classification (germline): Conflicting classifications of pathogenicity. Review status: criteria provided, conflicting classifications (1 of 4 stars). 35 submissions from 35 submitters: Pathogenic (1); Likely pathogenic (7); Uncertain significance (21); Likely benign (3). 3 of the submissions do not count toward it. Last evaluated 2026-09-08.

Conditions:
GLA-related disorder. Also called: GLA-related condition.
Cardiovascular phenotype. Identifiers: MedGen CN230736.
Cardiomyopathy (CMYO). Also called: Cardiomyopathies. Identifiers: Orphanet 167848, MedGen C0878544, MONDO:0004994, HP:0001638. Inheritance: Various modes of inheritance.
Fabry disease. Also called: GLA DEFICIENCY; HEREDITARY DYSTOPIC LIPIDOSIS; Angiokeratoma corporis diffusum; Fabry's disease; ALPHA-GALACTOSIDASE A DEFICIENCY; ANDERSON-FABRY DISEASE. Identifiers: Orphanet 324, MedGen C0002986, MONDO:0010526, OMIM 301500, HP:0001071. Disease mechanism: Fabry disease is due to inactivating mutations in the X-linked GLA gene resulting in deficiency of the enzyme Alpha Galactosidase-A., loss of function.

Allele frequency attached by ClinVar (database versions not stated): ExAC 0.00077; TOPMed 0.00041; gnomAD exomes 0.00055 and 0.00061; gnomAD 0.00038 and 0.00039.

Submissions 1 to 5 of 35:

Genomenon, Inc
Classification: Uncertain significance for Fabry disease. Last evaluated: 2026-09-08. Review status: criteria provided, single submitter. Criteria: Genomenon Sequence Variant Interpretation Standards - Updated. Collection method: curation. Allele origin: germline. Affected: yes.
Comment: GLA p.Ala143Thr (c.427G>A) is a missense variant that changes the amino acid at codon 143 from Alanine to Threonine. This variant has been observed in individuals with clinical features of Fabry disease and has shown segregation with disease in at least one family (PMID:31949022;23546814;29853467;36247762;30594474;11668641;16533976;34190205;27676143). This variant has also been reported in males without Fabry disease (PMID:21549080;23430526;25040344). Functional or patient cell studies have been reported (PMID:16595074;18698230;21598360;23935525;38618884;19387866;17532296;39704415;25409744). The presence of pathogenic/likely pathogenic missense variant(s) at the same amino acid position indicates that this residue is likely important for protein function. In silico models predict that this variant is possibly or probably damaging. This variant's allele frequency in gnomAD is greater than expected for this disorder. In conclusion, we classify GLA p.Ala143Thr (c.427G>A) as a variant of uncertain significance.

Genetics Laboratory, Great Ormond Street Hospital NHS Foundation Trust, North Thames Genomic Laboratory Hub
Classification: Likely pathogenic for Fabry disease. Last evaluated: 2026-07-29. Review status: criteria provided, single submitter. Criteria: ACGS Best Practice Guidelines for Variant Classification in Rare Disease 2024 v1.2. Collection method: clinical testing. Allele origin: germline. Affected: yes.
Comment: PS4_moderate, PP3_supporting, PM5_moderate, PP4_moderate

PreventionGenetics, part of Exact Sciences
Classification: Uncertain significance for GLA-related condition. Last evaluated: 2026-07-29. Review status: criteria provided, single submitter. Criteria: ACMG Guidelines, 2015. Collection method: clinical testing. Allele origin: germline.
Comment: The GLA c.427G>A variant is predicted to result in the amino acid substitution p.Ala143Thr. This variant occurs relatively frequently in the gnomAD general population database, with a subpopulation allele frequency as high as 0.09% in non-Finnish Europeans and 25 hemizygous individuals documented. However, it has also been identified in a large number of individuals with non-classic Fabry disease, mostly with singular clinical features including stroke (Brouns et al. 2010. PubMed ID: 20360539; Hauth et al. 2018. PubMed ID: 29867742), hypertrophic cardiomyopathy (De Brabander et al. 2013. PubMed ID: 23219219) and a single angiokeratoma (Corry et al. 2011. PubMed ID: 21549080). In many cases, these phenotypes do not segregate in families, including in adult males (Hauth et al. 2018. PubMed ID: 29867742; De Brabander et al. 2013. PubMed ID: 23219219; Lenders et al. 2016. PubMed ID: 27142856). A recent review of 80 individuals with this variant noted that this variant is more commonly found in borderline positive newborn screens compared to fully positive screens and that only a small proportion of individuals with variant develop late onset Fabry disease, classifying the variant as a risk allele (Paltzer et al. 2024.PubMed ID: 40159218). Analysis of alpha-galactosidase A enzyme activity has produced conflicting results, with some studies reporting reduced activity in heterozygous and hemizygous carriers (Eng et al. 1997. PubMed ID: 9100224; Hauth et al. 2018. PubMed ID: 29867742) and others reporting largely normal activity (De Brabander et al. 2013. PubMed ID: 23219219). Gb-3 storage analysis of cardiac or renal biopsy has also yielded conflicting evidence (Terryn et al. 2013. PubMed ID: 23430526; De Brabander et al. 2013. PubMed ID: 23219219; Smid et al. 2015. PubMed ID: 25040344). In vitro functional studies suggest this variant reduces enzymatic activity to about 21.4 - 51.9% of wild type (Table S1, Benjamin et al. 2017. PubMed ID: 27657681; Table S1, Lukas et al. 2013. PubMed ID: 23935525; Table 1, Wu et al. 2011. PubMed ID: 21598360). An alternate nucleotide change affecting the same amino acid (p.Ala143Pro), has been reported to be pathogenic for Fabry disease (Human Gene Mutation Database). In ClinVar, the c.427G>A variant has conflicting interpretations ranging from likely benign to pathogenic (Variation ID: 10748). We suspect that this variant may contribute to Fabry disease phenotypes with incomplete penetrance; however, at this time, we classify it as a variant of uncertain significance given the conflicting genetic and functional data.

Serv. Biochemistry and Molecular genetics, Hospital Clinic de Barcelona, Hospital Clínic de Barcelona
Classification: Likely pathogenic for Fabry disease. Last evaluated: 2026-05-21. Review status: criteria provided, single submitter. Criteria: ACMG Guidelines, 2015. Collection method: clinical testing. Allele origin: germline. Inheritance: X-linked inheritance. Affected: yes. Observed: 2 variant alleles.
Comment: Classification reported in the manuscript using ACMG criteria/in silico tools: Pathogenic. Variant type: Missense; amino acid change: p.Ala143Thr. Criteria: PM1, PM5, PP2, PP3, PP5, BS2

Labcorp Genetics (formerly Invitae), Labcorp
Classification: Uncertain significance for Fabry disease. Last evaluated: 2026-02-03. Review status: criteria provided, single submitter. Criteria: Invitae Variant Classification Sherloc (09022015). Collection method: clinical testing. Allele origin: germline.
Comment: This sequence change replaces alanine, which is neutral and non-polar, with threonine, which is neutral and polar, at codon 143 of the GLA protein (p.Ala143Thr). This variant is present in population databases (rs104894845, gnomAD 0.09%), and has an allele count higher than expected for a pathogenic variant. This missense change has been observed in individual(s) with late-onset, mild, or non-classic Fabry disease phenotype with or without Gb-3 storage on cardiac or renal biopsy as well as unaffected adult male relatives (PMID: 9100224, 16773563, 21549080, 22805550, 23219219, 23430526, 23935525, 25040344, 27142856, 28799081). ClinVar contains an entry for this variant (Variation ID: 10748). Invitae Evidence Modeling of protein sequence and biophysical properties (such as structural, functional, and spatial information, amino acid conservation, physicochemical variation, residue mobility, and thermodynamic stability) indicates that this missense variant is not expected to disrupt GLA protein function with a negative predictive value of 80%. Experimental studies have shown that this missense change affects GLA function (PMID: 9100224, 21549080, 22805550, 23219219, 23430526, 23935525, 25040344, 27142856). In summary, the available evidence is currently insufficient to determine the role of this variant in disease. Therefore, it has been classified as a Variant of Uncertain Significance.